The following is an entry in ClinVar:

ClinVar aggregate classification (germline): Uncertain significance (1 of 4 stars; one submission).

Conditions:
Dystonia 5 (DRD). Also called: Dystonia, DOPA-responsive, with or without hyperphenylalaninemia; DYT-GCH1; GTP Cyclohydrolase 1-Deficient Dopa-Responsive Dystonia; DYSTONIA, PROGRESSIVE, WITH DIURNAL VARIATION; DYSTONIA-PARKINSONISM WITH DIURNAL FLUCTUATION. Identifiers: Orphanet 98808, MedGen C1851920, MONDO:0007495, OMIM 128230.
GTP cyclohydrolase I deficiency. Identifiers: MedGen C0268467, MONDO:0100184.

Allele frequency attached by ClinVar (database versions not stated): gnomAD exomes below 0.00001; TOPMed below 0.00001; ExAC 0.00001.
gnomAD v4.1: 5 of 1,598,292 alleles (0.00031%); highest among the groups gnomAD compares: Admixed American, 0.005%; no homozygotes.

Submission:

Labcorp Genetics (formerly Invitae), Labcorp
Classification: Uncertain significance for GTP cyclohydrolase I deficiency; Dystonia 5. Last evaluated: 2022-10-16. Review status: criteria provided, single submitter. Criteria: Invitae Variant Classification Sherloc (09022015). Collection method: clinical testing. Allele origin: germline.
Comment: This sequence change replaces leucine, which is neutral and non-polar, with phenylalanine, which is neutral and non-polar, at codon 165 of the GCH1 protein (p.Leu165Phe). This variant is present in population databases (rs755485677, gnomAD 0.009%). This variant has not been reported in the literature in individuals affected with GCH1-related conditions. Advanced modeling of protein sequence and biophysical properties (such as structural, functional, and spatial information, amino acid conservation, physicochemical variation, residue mobility, and thermodynamic stability) performed at Invitae indicates that this missense variant is expected to disrupt GCH1 protein function. In summary, the available evidence is currently insufficient to determine the role of this variant in disease. Therefore, it has been classified as a Variant of Uncertain Significance.

NM_000161.3(GCH1):c.493C>T (p.Leu165Phe)

Gene: GCH1 (GTP cyclohydrolase 1; minus strand). Cytogenetic location: 14q22.2.
Variant type: single nucleotide variant.
Coding change: c.493C>T on transcript NM_000161.3 (MANE Select); coding-DNA position 493, C replaced by T.
Protein change: p.Leu165Phe; replaces leucine 165 with phenylalanine.
Molecular consequence: missense variant.
Genome position (GRCh38, 1-based): chr14:54,859,697, G>A on the plus strand (C>T on the coding strand, the complement: GCH1 is on the minus strand). VCF-style: chr14-54859697-G-A. GRCh37 (hg19) VCF-style: chr14-55326415-G-A.
Other names: c.493C>T, p.Leu165Phe (NM_001024024.2, NM_001024070.2, NM_001024071.2); short protein forms L165F.
Identifiers: ClinVar variation 2162170 (VCV002162170.1), dbSNP rs755485677, ClinGen allele CA7193581.